The following is an entry in ClinVar:

ClinVar aggregate classification (germline): Uncertain significance (1 of 4 stars; one submission).

Allele frequency attached by ClinVar (database versions not stated): TOPMed below 0.00001.

Submission:

Women's Health and Genetics/Laboratory Corporation of America, LabCorp
Classification: Uncertain significance. Last evaluated: 2023-07-03. Review status: criteria provided, single submitter. Criteria: LabCorp Variant Classification Summary - May 2015. Collection method: clinical testing. Allele origin: germline.
Comment: Variant summary: OCA2 c.1243T>C (p.Tyr415His) results in a conservative amino acid change to a highly conserved residue (HGMD) located in the Citrate transporter-like domain (IPR004680) of the encoded protein sequence. Four of five in-silico tools predict a damaging effect of the variant on protein function. The variant was absent in 246288 control chromosomes (gnomAD). c.1243T>C has been reported in the literature in a homozygous individual affected with Ocular Albinism (Gronskov_2009). These data indicate that the variant may be associated with disease. To our knowledge, no experimental evidence demonstrating an impact on protein function has been reported. The following publication has been ascertained in the context of this evaluation (PMID: 19060277). No submitters have cited clinical-significance assessments for this variant to ClinVar after 2014. Based on the evidence outlined above, the variant was classified as VUS-possibly pathogenic.

Literature cited by the submitters: PubMed 19060277.

NM_000275.3(OCA2):c.1243T>C (p.Tyr415His)

Gene: OCA2 (OCA2 melanosomal transmembrane protein; minus strand). Cytogenetic location: 15q13.1.
Variant type: single nucleotide variant.
Coding change: c.1243T>C on transcript NM_000275.3 (MANE Select); coding-DNA position 1243, T replaced by C.
Protein change: p.Tyr415His; replaces tyrosine 415 with histidine.
Molecular consequence: missense variant.
Genome position (GRCh38, 1-based): chr15:27,985,185, A>G on the plus strand (T>C on the coding strand, the complement: OCA2 is on the minus strand). VCF-style: chr15-27985185-A-G. GRCh37 (hg19) VCF-style: chr15-28230331-A-G.
Other names: c.1171T>C, p.Tyr391His (NM_001300984.2); short protein forms Y391H, Y415H.
Identifiers: ClinVar variation 2577257 (VCV002577257.1), dbSNP rs1179079179, ClinGen allele CA391360729.
Genomic context (GRCh38, chr15:27,985,185, plus strand): 5'-CGGCCGCGATGAGACAGAGCATGATGATCATGGCCCACACCCGTCCCCGGGAGAGCCGGT[A>G]TGCCTGGCCACACACACACAGAGAGAGTACAAGCCAGAGTGAGCAGGCTCGTAGAACAGA-3'
Protein context (NP_000266.2, residues 405-425): GFFDYCAVKA[Tyr415His]RLSRGRVWAM